The following is an entry in ClinVar:

ClinVar aggregate classification (germline): Uncertain significance. Review status: criteria provided, multiple submitters, no conflicts (2 of 4 stars). 2 submissions from 2 submitters: Uncertain significance (2). Last evaluated 2025-02-28.

Conditions:
Inborn genetic diseases. Identifiers: MedGen C0950123, MeSH D030342.

Allele frequency attached by ClinVar (database versions not stated): gnomAD exomes below 0.00001.
gnomAD v4.1: 4 of 1,613,630 alleles (0.00025%); highest among the groups gnomAD compares: East Asian, 0.0067%; no homozygotes.

Submissions (2):

Ambry Genetics
Classification: Uncertain significance for Inborn genetic diseases. Last evaluated: 2025-02-28. Review status: criteria provided, single submitter. Criteria: Ambry Variant Classification Scheme 2023. Collection method: clinical testing. Allele origin: germline.
Comment: The p.M598T variant (also known as c.1793T>C), located in coding exon 1 of the SAMD9L gene, results from a T to C substitution at nucleotide position 1793. The methionine at codon 598 is replaced by threonine, an amino acid with similar properties. This amino acid position is conserved. In addition, this alteration is predicted to be tolerated by in silico analysis. Based on the available evidence, the clinical significance of this variant remains unclear.

Labcorp Genetics (formerly Invitae), Labcorp
Classification: Uncertain significance. Last evaluated: 2023-03-08. Review status: criteria provided, single submitter. Criteria: Invitae Variant Classification Sherloc (09022015). Collection method: clinical testing. Allele origin: germline.
Comment: In summary, the available evidence is currently insufficient to determine the role of this variant in disease. Therefore, it has been classified as a Variant of Uncertain Significance. Advanced modeling of protein sequence and biophysical properties (such as structural, functional, and spatial information, amino acid conservation, physicochemical variation, residue mobility, and thermodynamic stability) performed at Invitae indicates that this missense variant is not expected to disrupt SAMD9L protein function. This variant has not been reported in the literature in individuals affected with SAMD9L-related conditions. This variant is present in population databases (no rsID available, gnomAD 0.006%). This sequence change replaces methionine, which is neutral and non-polar, with threonine, which is neutral and polar, at codon 598 of the SAMD9L protein (p.Met598Thr).

NM_152703.5(SAMD9L):c.1793T>C (p.Met598Thr)

Gene: SAMD9L (sterile alpha motif domain containing 9 like; minus strand). Cytogenetic location: 7q21.2.
Variant type: single nucleotide variant.
Coding change: c.1793T>C on transcript NM_152703.5 (MANE Select); coding-DNA position 1793, T replaced by C.
Protein change: p.Met598Thr; replaces methionine 598 with threonine.
Molecular consequence: missense variant.
Genome position (GRCh38, 1-based): chr7:93,134,179, A>G on the plus strand (T>C on the coding strand, the complement: SAMD9L is on the minus strand). VCF-style: chr7-93134179-A-G. GRCh37 (hg19) VCF-style: chr7-92763492-A-G.
Other names: c.1793T>C (NM_152703.2); c.1793T>C, p.Met598Thr (NM_001303496.3, NM_001303497.3, NM_001303498.3 and 5 more transcripts); short protein forms M598T.
Identifiers: ClinVar variation 2880207 (VCV002880207.4), dbSNP rs1176331023, ClinGen allele CA368194593.